The following is an entry in ClinVar:

ClinVar aggregate classification (germline): Benign/Likely benign. Review status: criteria provided, multiple submitters, no conflicts (2 of 4 stars). 11 submissions from 11 submitters: Benign (3); Likely benign (7). 1 of the submissions does not count toward it. Last evaluated 2026-02-03.

Conditions:
Inborn genetic diseases. Identifiers: MedGen C0950123, MeSH D030342.
Cohen syndrome (COH1). Also called: Cutis verticis gyrata, retinitis pigmentosa, and sensorineural deafness; PEPPER SYNDROME. Identifiers: Orphanet 193, MedGen C0265223, MONDO:0008999, OMIM 216550.

Allele frequency attached by ClinVar (database versions not stated): gnomAD exomes 0.00014 and 0.00051; ExAC 0.00063; TOPMed 0.00202; ESP Exome Variant Server 0.00208; gnomAD 0.00161 and 0.00170; 1000 Genomes Project 0.00220; 1000 Genomes Project 30x 0.00187.
gnomAD v4.1: 495 of 1,613,830 alleles (0.031%); highest among the groups gnomAD compares: African/African-American, 0.56%; 4 homozygotes.

Submissions (11):

Women's Health and Genetics/Laboratory Corporation of America, LabCorp
Classification: Likely benign. Last evaluated: 2026-02-03. Review status: criteria provided, single submitter. Criteria: LabCorp Variant Classification Summary - May 2015. Collection method: clinical testing. Allele origin: germline.
Comment: Variant summary: VPS13B c.10127A>T (p.Asn3376Ile) results in a non-conservative amino acid change in the encoded protein sequence. Algorithms developed to predict the effect of missense changes on protein structure and function are either unavailable or do not agree on the potential impact of this missense change. The variant allele was found at a frequency of 0.00051 in 251426 control chromosomes, predominantly at a frequency of 0.0074 within the African or African-American subpopulation in the gnomAD database, including 1 homozygotes. The observed variant frequency within African or African-American control individuals in the gnomAD database exceeds the estimated maximal expected allele frequency for disease-causing variants in VPS13B. To our knowledge, no occurrence of c.10127A>T in individuals affected with VPS13B-related conditions and no experimental evidence demonstrating its impact on protein function have been reported. ClinVar contains an entry for this variant (Variation ID: 167835). Based on the evidence outlined above, the variant was classified as likely benign.

Labcorp Genetics (formerly Invitae), Labcorp
Classification: Benign for Cohen syndrome. Last evaluated: 2026-02-02. Review status: criteria provided, single submitter. Criteria: Invitae Variant Classification Sherloc (09022015). Collection method: clinical testing. Allele origin: germline.

Blueprint Genetics
Classification: Likely benign. Last evaluated: 2024-11-13. Review status: criteria provided, single submitter. Criteria: ACMG Guidelines, 2015. Collection method: clinical testing. Allele origin: germline.

CeGaT Center for Human Genetics Tuebingen
Classification: Likely benign. Last evaluated: 2022-09-01. Review status: criteria provided, single submitter. Criteria: CeGaT Center For Human Genetics Tuebingen Variant Classification Criteria Version 2. Collection method: clinical testing. Allele origin: germline. Affected: yes. Observed: 2 variant alleles.
Comment: VPS13B: BP4

Ambry Genetics
Classification: Likely benign for Inborn genetic diseases. Last evaluated: 2022-05-25. Review status: criteria provided, single submitter. Criteria: Ambry Variant Classification Scheme 2023. Collection method: clinical testing. Allele origin: germline.

Mayo Clinic Laboratories, Mayo Clinic
Classification: Benign. Last evaluated: 2020-09-30. Review status: criteria provided, single submitter. Criteria: ACMG Guidelines, 2015. Collection method: clinical testing. Allele origin: germline. Observed: 5 variant alleles.

Illumina Laboratory Services, Illumina
Classification: Likely benign for Cohen syndrome. Last evaluated: 2018-01-13. Review status: criteria provided, single submitter. Criteria: ICSL Variant Classification Criteria 13 December 2019. Collection method: clinical testing. Allele origin: germline.
Comment: This variant was observed in the ICSL laboratory as part of a predisposition screen in an ostensibly healthy population. It had not been previously curated by ICSL or reported in the Human Gene Mutation Database (HGMD: prior to June 1st, 2018), and was therefore a candidate for classification through an automated scoring system. Utilizing variant allele frequency, disease prevalence and penetrance estimates, and inheritance mode, an automated score was calculated to assess if this variant is too frequent to cause the disease. Based on the score and internal cut-off values, a variant classified as likely benign is not then subjected to further curation. The score for this variant resulted in a classification of likely benign for this disease.

Genetic Services Laboratory, University of Chicago
Classification: Likely benign. Last evaluated: 2016-08-08. Review status: criteria provided, single submitter. Criteria: ACMG Guidelines, 2015. Collection method: clinical testing. Allele origin: germline. Affected: no.

Eurofins Ntd Llc (ga)
Classification: Benign. Last evaluated: 2014-02-28. Review status: criteria provided, single submitter. Criteria: EGL Classification Definitions 2015. Collection method: clinical testing. Allele origin: germline. Observed: 1 variant allele, 1 heterozygote.

Breakthrough Genomics
Classification: Likely benign. Review status: criteria provided, single submitter. Criteria: ACMG Guidelines, 2015. Collection method: not provided. Allele origin: germline. Inheritance: Autosomal recessive inheritance. Affected: yes.

Natera, Inc.
Classification: Benign for Cohen syndrome. Last evaluated: 2019-12-16. Review status: no assertion criteria provided. Collection method: clinical testing. Allele origin: germline. Not counted in ClinVar's aggregate classification.

NM_152564.5(VPS13B):c.10052A>T (p.Asn3351Ile)

Gene: VPS13B (vacuolar protein sorting 13 homolog B; plus strand). Cytogenetic location: 8q22.2.
Variant type: single nucleotide variant.
Coding change: c.10052A>T on transcript NM_152564.5 (MANE Select); coding-DNA position 10052, A replaced by T.
Protein change: p.Asn3351Ile; replaces asparagine 3351 with isoleucine.
Molecular consequence: missense variant.
Genome position (GRCh38, 1-based): chr8:99,848,885, A>T. VCF-style: chr8-99848885-A-T. GRCh37 (hg19) VCF-style: chr8-100861113-A-T.
Other names: c.10127A>T, p.Asn3376Ile (NM_017890.5); short protein forms N3351I.
Identifiers: ClinVar variation 167835 (VCV000167835.61), dbSNP rs111353525, ClinGen allele CA180488.